The following is an entry in ClinVar:

ClinVar aggregate classification (germline): Likely benign (0 of 4 stars; one submission).

Conditions:
ITGB4-related disorder. Also called: ITGB4-related condition.

Allele frequency attached by ClinVar (database versions not stated): TOPMed 0.00001.
gnomAD v4.1: 2 of 1,613,378 alleles (0.00012%); highest among the groups gnomAD compares: Non-Finnish European, 0.00017%; no homozygotes.

Submission:

PreventionGenetics, part of Exact Sciences
Classification: Likely benign for ITGB4-related condition. Last evaluated: 2020-06-23. Review status: no assertion criteria provided. Collection method: clinical testing. Allele origin: germline.
Comment: This variant is classified as likely benign based on ACMG/AMP sequence variant interpretation guidelines (Richards et al. 2015 PMID: 25741868, with internal and published modifications).

NM_000213.5(ITGB4):c.*1C>G

Genes: GALK1 (galactokinase 1; minus strand), ITGB4 (integrin subunit beta 4; plus strand). Cytogenetic location: 17q25.1.
Variant type: single nucleotide variant.
Coding change: c.*1C>G on transcript NM_000213.5 (MANE Select); 1 bases downstream of the stop codon, C replaced by G.
Molecular consequence: 3 prime UTR variant. On other transcripts: intron variant (1).
Genome position (GRCh38, 1-based): chr17:75,757,556, C>G. VCF-style: chr17-75757556-C-G. GRCh37 (hg19) VCF-style: chr17-73753637-C-G.
Other names: c.*1C>G (NM_001005619.2, NM_001005731.3, NM_001321123.2 and 1 more transcripts); c.*22+478G>C (NM_001381985.1).
Identifiers: ClinVar variation 3034526 (VCV003034526.2), dbSNP rs759189560, ClinGen allele CA775095668.